The following is an entry in ClinVar:

NM_000492.4(CFTR):c.472A>T (p.Ser158Cys)

Gene: CFTR (CF transmembrane conductance regulator; plus strand). Cytogenetic location: 7q31.2.
Variant type: single nucleotide variant.
Coding change: c.472A>T on transcript NM_000492.4 (MANE Select); coding-DNA position 472, A replaced by T.
Protein change: p.Ser158Cys; replaces serine 158 with cysteine.
Molecular consequence: missense variant.
Genome position (GRCh38, 1-based): chr7:117,531,097, A>T. VCF-style: chr7-117531097-A-T. GRCh37 (hg19) VCF-style: chr7-117171151-A-T.
Other names: short protein forms S158C.
Identifiers: ClinVar variation 2447396 (VCV002447396.2), dbSNP rs397508724, ClinGen allele CA4450729.
Genomic context (GRCh38, chr7:117,531,097, plus strand): 5'-CTACACCCAGCCATTTTTGGCCTTCATCACATTGGAATGCAGATGAGAATAGCTATGTTT[A>T]GTTTGATTTATAAGAAGGTAATACTTCCTTGCACAGGCCCCATGGCACATATATTCTGTA-3'
Protein context (NP_000483.3, residues 148-168): IGMQMRIAMF[Ser158Cys]LIYKKTLKLS

ClinVar aggregate classification (germline): Uncertain significance (1 of 4 stars; one submission).

Conditions:
Cystic fibrosis (CF). Also called: MUCOVISCIDOSIS. Identifiers: Orphanet 586, MedGen C0010674, MONDO:0009061, OMIM 219700. Disease mechanism: loss of function.

Allele frequency attached by ClinVar (database versions not stated): ExAC 0.00001.
gnomAD v4.1: 1 of 1,612,846 alleles (0.000062%); highest among the groups gnomAD compares: East Asian, 0.0022%; no homozygotes.

Submission:

Ambry Genetics
Classification: Uncertain significance for Cystic fibrosis. Last evaluated: 2022-11-28. Review status: criteria provided, single submitter. Criteria: Ambry Variant Classification Scheme 2023. Collection method: clinical testing. Allele origin: germline.
Comment: The p.S158C variant (also known as c.472A>T), located in coding exon 4 of the CFTR gene, results from an A to T substitution at nucleotide position 472. The serine at codon 158 is replaced by cysteine, an amino acid with dissimilar properties. This amino acid position is highly conserved in available vertebrate species. In addition, the in silico prediction for this alteration is inconclusive. Since supporting evidence is limited at this time, the clinical significance of this alteration remains unclear.